The following is an entry in ClinVar:

ClinVar aggregate classification (germline): Conflicting classifications of pathogenicity. Review status: criteria provided, conflicting classifications (1 of 4 stars). 10 submissions from 10 submitters: Uncertain significance (3); Benign (2); Likely benign (5). Last evaluated 2026-01-28.

Conditions:
TSC2-related disorder. Also called: TSC2-Related Disorders; TSC2-related condition.
Hereditary cancer-predisposing syndrome. Also called: Hereditary Cancer Syndrome; Neoplastic Syndromes, Hereditary; Tumor predisposition; Hereditary neoplastic syndrome. Identifiers: Orphanet 140162, MedGen C0027672, MeSH D009386, MONDO:0015356.
Tuberous sclerosis syndrome (TSC). Also called: Tuberous sclerosis; Tuberous Sclerosis Complex. Identifiers: Orphanet 805, MedGen C0041341, MONDO:0001734.
Tuberous sclerosis 2 (TSC2). Identifiers: Orphanet 805, MedGen C1860707, MONDO:0013199, OMIM 613254.

Allele frequency attached by ClinVar (database versions not stated): gnomAD exomes 0.00001 and 0.00002; ExAC 0.00005; gnomAD 0.00009 and 0.00010; TOPMed 0.00012.
gnomAD v4.1: 28 of 1,612,684 alleles (0.0017%); highest among the groups gnomAD compares: African/African-American, 0.036%; no homozygotes.

Submissions (10):

Labcorp Genetics (formerly Invitae), Labcorp
Classification: Benign for Tuberous sclerosis 2. Last evaluated: 2026-01-28. Review status: criteria provided, single submitter. Criteria: Invitae Variant Classification Sherloc (09022015). Collection method: clinical testing. Allele origin: germline.

PreventionGenetics, part of Exact Sciences
Classification: Likely benign for TSC2-related condition. Last evaluated: 2025-09-15. Review status: criteria provided, single submitter. Criteria: ACMG Guidelines, 2015. Collection method: clinical testing. Allele origin: germline.
Comment: This variant is classified as likely benign based on ACMG/AMP sequence variant interpretation guidelines (Richards et al. 2015 PMID: 25741868, with internal and published modifications).

Myriad Genetics, Inc.
Classification: Likely benign for Tuberous sclerosis 2. Last evaluated: 2024-08-14. Review status: criteria provided, single submitter. Criteria: Myriad Autosomal Dominant, Autosomal Recessive and X-Linked Classification Criteria (2023). Collection method: clinical testing. Allele origin: unknown.
Comment: This variant is considered likely benign. This variant has been observed at a population frequency that is significantly greater than expected given the associated disease prevalence and penetrance.

All of Us Research Program, National Institutes of Health
Classification: Uncertain significance for Tuberous sclerosis syndrome. Last evaluated: 2024-08-06. Review status: criteria provided, single submitter. Criteria: ACMG Guidelines, 2015. Collection method: clinical testing. Allele origin: germline. Inheritance: Autosomal dominant inheritance. Observed: 14 variant alleles, 14 heterozygotes.
Comment: This missense variant replaces threonine with alanine at codon 996 of the TSC2 protein. Computational prediction is inconclusive regarding the impact of this variant on protein structure and function (internally defined REVEL score threshold 0.5 < inconclusive < 0.7, PMID: 27666373). To our knowledge, functional studies have not been reported for this variant. This variant has not been reported in individuals affected with tuberous sclerosis complex in the literature. This variant has been identified in 10/281666 chromosomes in the general population by the Genome Aggregation Database (gnomAD). The available evidence is insufficient to determine the role of this variant in disease conclusively. Therefore, this variant is classified as a Variant of Uncertain Significance.

This study involves interpretation of variants in research participants for the purpose of population health screening. Participant phenotype was not available at the time of variant classification. Additional details can be found in publication PMID: 35346344, PMCID: PMC8962531

Color Diagnostics, LLC DBA Color Health
Classification: Uncertain significance for Tuberous sclerosis syndrome. Last evaluated: 2024-03-06. Review status: criteria provided, single submitter. Criteria: ACMG Guidelines, 2015. Collection method: clinical testing. Allele origin: germline.
Comment: This missense variant replaces threonine with alanine at codon 996 of the TSC2 protein. Computational prediction is inconclusive regarding the impact of this variant on protein structure and function. To our knowledge, functional studies have not been reported for this variant. This variant has not been reported in individuals affected with TSC2-related disorders in the literature. This variant has been identified in 10/281666 chromosomes in the general population by the Genome Aggregation Database (gnomAD). The available evidence is insufficient to determine the role of this variant in disease conclusively. Therefore, this variant is classified as a Variant of Uncertain Significance.

Genome-Nilou Lab
Classification: Likely benign for Tuberous sclerosis 2. Last evaluated: 2021-11-07. Review status: criteria provided, single submitter. Criteria: ACMG Guidelines, 2015. Collection method: clinical testing. Allele origin: germline. Affected: no.

Sema4
Classification: Likely benign for Hereditary cancer-predisposing syndrome. Last evaluated: 2021-06-24. Review status: criteria provided, single submitter. Criteria: Sema4 Curation Guidelines. Collection method: curation. Allele origin: germline.

Ambry Genetics
Classification: Benign for Hereditary cancer-predisposing syndrome. Last evaluated: 2020-12-11. Review status: criteria provided, single submitter. Criteria: Ambry Variant Classification Scheme 2023. Collection method: clinical testing. Allele origin: germline.

GeneDx
Classification: Likely benign. Last evaluated: 2020-08-04. Review status: criteria provided, single submitter. Criteria: GeneDx Variant Classification Process June 2021. Collection method: clinical testing. Allele origin: germline. Affected: yes.

ARUP Laboratories, Molecular Genetics and Genomics, ARUP Laboratories
Classification: Uncertain significance. Last evaluated: 2020-02-18. Review status: criteria provided, single submitter. Criteria: ARUP Molecular Germline Variant Investigation Process. Collection method: clinical testing. Allele origin: germline.
Comment: The TSC2 c.2986A>G; p.Thr996Ala variant (rs139753238), to our knowledge, is not reported in the medical literature but is reported in the ClinVar database (Variation ID: 207738). This variant is found in the African population with an allele frequency of 0.04% (10/24884 alleles) in the Genome Aggregation Database. The threonine at codon 996 is highly conserved, and computational analyses (SIFT, PolyPhen-2) predict that this variant is deleterious. Due to limited information, the clinical significance of this variant is uncertain at this time.

NM_000548.5(TSC2):c.2986A>G (p.Thr996Ala)

Gene: TSC2 (TSC complex subunit 2; plus strand). Cytogenetic location: 16p13.3.
Variant type: single nucleotide variant.
Coding change: c.2986A>G on transcript NM_000548.5 (MANE Select); coding-DNA position 2986, A replaced by G.
Protein change: p.Thr996Ala; replaces threonine 996 with alanine.
Molecular consequence: missense variant.
Genome position (GRCh38, 1-based): chr16:2,079,051, A>G. VCF-style: chr16-2079051-A-G. GRCh37 (hg19) VCF-style: chr16-2129052-A-G.
Other names: p.T996A:ACC>GCC; c.2854A>G, p.Thr952Ala (NM_001077183.3, NM_001370404.1); c.2986A>G, p.Thr996Ala (NM_001114382.3); c.2746A>G, p.Thr916Ala (NM_001318827.2); c.2710A>G, p.Thr904Ala (NM_001318829.2); c.2254A>G, p.Thr752Ala (NM_001318831.2); c.2887A>G, p.Thr963Ala (NM_001318832.2); c.2857A>G, p.Thr953Ala (NM_001363528.2, NM_001370405.1, NM_021055.3); and 1 more; short protein forms T996A, T752A, T916A, T952A, T963A, T904A, T953A.
Identifiers: ClinVar variation 207738 (VCV000207738.31), dbSNP rs139753238, ClinGen allele CA043628.